The following is an entry in ClinVar:

NM_000059.4(BRCA2):c.2268G>A (p.Gln756=)

Gene: BRCA2 (BRCA2 DNA repair associated; plus strand). Cytogenetic location: 13q13.1.
Variant type: single nucleotide variant.
Coding change: c.2268G>A on transcript NM_000059.4 (MANE Select); coding-DNA position 2268, G replaced by A.
Protein change: p.Gln756=; no amino-acid change (glutamine 756 retained).
Molecular consequence: synonymous variant.
Genome position (GRCh38, 1-based): chr13:32,336,623, G>A. VCF-style: chr13-32336623-G-A. GRCh37 (hg19) VCF-style: chr13-32910760-G-A.
Identifiers: ClinVar variation 820984 (VCV000820984.5), dbSNP rs1593896503, ClinGen allele CA483437013.

ClinVar aggregate classification (germline): Likely benign. Review status: criteria provided, multiple submitters, no conflicts (2 of 4 stars). 2 submissions from 2 submitters: Likely benign (2). Last evaluated 2023-07-10.

Conditions:
Hereditary cancer-predisposing syndrome. Also called: Hereditary Cancer Syndrome; Neoplastic Syndromes, Hereditary; Hereditary neoplastic syndrome; Tumor predisposition. Identifiers: Orphanet 140162, MedGen C0027672, MeSH D009386, MONDO:0015356.
Breast-ovarian cancer, familial, susceptibility to, 2 (BROVCA2). Also called: BRCA2 Hereditary Breast and Ovarian Cancer. Identifiers: Orphanet 145, MedGen C2675520, MONDO:0012933, OMIM 612555. Disease mechanism: loss of function.

Allele frequency attached by ClinVar (database versions not stated): gnomAD exomes below 0.00001; gnomAD 0.00001.
gnomAD v4.1: 2 of 1,613,864 alleles (0.00012%); highest among the groups gnomAD compares: African/African-American, 0.0027%; no homozygotes.

Submissions (2):

All of Us Research Program, National Institutes of Health
Classification: Likely benign for Breast-ovarian cancer, familial, susceptibility to, 2. Last evaluated: 2023-07-10. Review status: criteria provided, single submitter. Criteria: ACMG Guidelines, 2015. Collection method: clinical testing. Allele origin: germline. Inheritance: Autosomal dominant inheritance. Observed: 1 variant allele, 1 heterozygote.
Comment: This study involves interpretation of variants in research participants for the purpose of population health screening. Participant phenotype was not available at the time of variant classification. Additional details can be found in publication PMID: 35346344, PMCID: PMC8962531

Ambry Genetics
Classification: Likely benign for Hereditary cancer-predisposing syndrome. Last evaluated: 2019-06-27. Review status: criteria provided, single submitter. Criteria: Ambry Variant Classification Scheme 2023. Collection method: clinical testing. Allele origin: germline.